The following is an entry in ClinVar:

NM_004577.4(PSPH):c.575C>T (p.Ala192Val)

Gene: PSPH (phosphoserine phosphatase; minus strand). Cytogenetic location: 7p11.2.
Variant type: single nucleotide variant.
Coding change: c.575C>T on transcript NM_004577.4 (MANE Select); coding-DNA position 575, C replaced by T.
Protein change: p.Ala192Val; replaces alanine 192 with valine.
Molecular consequence: missense variant.
Genome position (GRCh38, 1-based): chr7:56,011,865, G>A on the plus strand (C>T on the coding strand, the complement: PSPH is on the minus strand). VCF-style: chr7-56011865-G-A. GRCh37 (hg19) VCF-style: chr7-56079558-G-A.
Other names: c.575C>T, p.Ala192Val (NM_001370512.1, NM_001370513.1, NM_001370514.1 and 17 more transcripts); c.575C>T (NM_004577.3); short protein forms A192V.
Identifiers: ClinVar variation 1402580 (VCV001402580.4), dbSNP rs779259191, ClinGen allele CA4268599.

ClinVar aggregate classification (germline): Conflicting classifications of pathogenicity. Review status: criteria provided, conflicting classifications (1 of 4 stars). 2 submissions from 2 submitters: Uncertain significance (1); Likely benign (1). Last evaluated 2025-08-21.

Conditions:
Inborn genetic diseases. Identifiers: MedGen C0950123, MeSH D030342.
Deficiency of phosphoserine phosphatase (PSPHD). Also called: Phosphoserine phosphatase deficiency; PSPH deficiency. Identifiers: Orphanet 79350, MedGen C1291463, MONDO:0013531, OMIM 614023.

Allele frequency attached by ClinVar (database versions not stated): gnomAD exomes below 0.00001; TOPMed below 0.00001; ExAC 0.00001; gnomAD 0.00001.
gnomAD v4.1: 4 of 1,603,052 alleles (0.00025%); highest among the groups gnomAD compares: Admixed American, 0.005%; no homozygotes.

Submissions (2):

Ambry Genetics
Classification: Likely benign for Inborn genetic diseases. Last evaluated: 2025-08-21. Review status: criteria provided, single submitter. Criteria: Ambry Variant Classification Scheme 2023. Collection method: clinical testing. Allele origin: germline.

Labcorp Genetics (formerly Invitae), Labcorp
Classification: Uncertain significance for Deficiency of phosphoserine phosphatase. Last evaluated: 2022-07-11. Review status: criteria provided, single submitter. Criteria: Invitae Variant Classification Sherloc (09022015). Collection method: clinical testing. Allele origin: germline.
Comment: This sequence change replaces alanine, which is neutral and non-polar, with valine, which is neutral and non-polar, at codon 192 of the PSPH protein (p.Ala192Val). This variant is present in population databases (rs779259191, gnomAD 0.003%). This variant has not been reported in the literature in individuals affected with PSPH-related conditions. ClinVar contains an entry for this variant (Variation ID: 1402580). Algorithms developed to predict the effect of missense changes on protein structure and function output the following: SIFT: "Tolerated"; PolyPhen-2: "Benign"; Align-GVGD: "Class C0". The valine amino acid residue is found in multiple mammalian species, which suggests that this missense change does not adversely affect protein function. In summary, the available evidence is currently insufficient to determine the role of this variant in disease. Therefore, it has been classified as a Variant of Uncertain Significance.